The following is an entry in ClinVar:

ClinVar aggregate classification (germline): Uncertain significance (1 of 4 stars; one submission).

Conditions:
X-linked severe combined immunodeficiency (SCIDX1). Also called: X-Linked Combined Immunodeficiency Diseases; IMMUNODEFICIENCY 4; SCID, X-LINKED; SEVERE COMBINED IMMUNODEFICIENCY, X-LINKED, T CELL-NEGATIVE, B CELL-POSITIVE, NK CELL-NEGATIVE; T-B+ severe combined immunodeficiency due to gamma chain deficiency. Identifiers: Orphanet 276, MedGen C6022468, MONDO:0010315, OMIM 300400. Disease mechanism: loss of function.

Submission:

Labcorp Genetics (formerly Invitae), Labcorp
Classification: Uncertain significance for X-linked severe combined immunodeficiency. Last evaluated: 2025-10-02. Review status: criteria provided, single submitter. Criteria: Invitae Variant Classification Sherloc (09022015). Collection method: clinical testing. Allele origin: germline.
Comment: This sequence change replaces tryptophan, which is neutral and slightly polar, with serine, which is neutral and polar, at codon 155 of the IL2RG protein (p.Trp155Ser). This variant is not present in population databases (gnomAD no frequency). This variant has not been reported in the literature in individuals affected with IL2RG-related conditions. ClinVar contains an entry for this variant (Variation ID: 2121682). Invitae Evidence Modeling of protein sequence and biophysical properties (such as structural, functional, and spatial information, amino acid conservation, physicochemical variation, residue mobility, and thermodynamic stability) indicates that this missense variant is expected to disrupt IL2RG protein function with a positive predictive value of 95%. In summary, the available evidence is currently insufficient to determine the role of this variant in disease. Therefore, it has been classified as a Variant of Uncertain Significance.

NM_000206.3(IL2RG):c.464G>C (p.Trp155Ser)

Gene: IL2RG (interleukin 2 receptor subunit gamma; minus strand). Cytogenetic location: Xq13.1.
Variant type: single nucleotide variant.
Coding change: c.464G>C on transcript NM_000206.3 (MANE Select); coding-DNA position 464, G replaced by C.
Protein change: p.Trp155Ser; replaces tryptophan 155 with serine.
Molecular consequence: missense variant.
Genome position (GRCh38, 1-based): chrX:71,110,286, C>G on the plus strand (G>C on the coding strand, the complement: IL2RG is on the minus strand). VCF-style: chrX-71110286-C-G. GRCh37 (hg19) VCF-style: chrX-70330136-C-G.
Other names: short protein forms W155S.
Identifiers: ClinVar variation 2121682 (VCV002121682.4), dbSNP rs1485784611, ClinGen allele CA413496491.
Genomic context (GRCh38, chrX:71,110,286, plus strand): 5'-TTCCAGTTCAGTTCTAGCTGGGATTCACTCAGTTTGTGAAGTGTTAGGTTCTCTGGAGCC[C>G]AGGGGATCACTGGAGATATGTGTGCATATGTGGTCATTCCCCTGGCCTAGACAAGTCAGG-3'
Protein context (NP_000197.1, residues 145-165): MLKLQNLVIP[Trp155Ser]APENLTLHKL